The following is an entry in ClinVar:

ClinVar aggregate classification (germline): Uncertain significance (1 of 4 stars; one submission).

Submission:

Labcorp Genetics (formerly Invitae), Labcorp
Classification: Uncertain significance. Last evaluated: 2025-03-02. Review status: criteria provided, single submitter. Criteria: Invitae Variant Classification Sherloc (09022015). Collection method: clinical testing. Allele origin: germline.
Comment: This sequence change replaces leucine, which is neutral and non-polar, with proline, which is neutral and non-polar, at codon 66 of the YME1L1 protein (p.Leu66Pro). This variant is not present in population databases (gnomAD no frequency). This variant has not been reported in the literature in individuals affected with YME1L1-related conditions. An algorithm developed to predict the effect of missense changes on protein structure and function (PolyPhen-2) suggests that this variant is likely to be tolerated. In summary, the available evidence is currently insufficient to determine the role of this variant in disease. Therefore, it has been classified as a Variant of Uncertain Significance.

NM_014263.4(YME1L1):c.168+1266T>C

Gene: YME1L1 (YME1 like 1 ATPase; minus strand). Cytogenetic location: 10p12.1.
Variant type: single nucleotide variant.
Coding change: c.168+1266T>C on transcript NM_014263.4 (MANE Select); 1266 bases into the intron after coding-DNA position 168, T replaced by C.
Molecular consequence: intron variant. On other transcripts: missense variant (1).
Genome position (GRCh38, 1-based): chr10:27,147,640, A>G on the plus strand (T>C on the coding strand, the complement: YME1L1 is on the minus strand). VCF-style: chr10-27147640-A-G. GRCh37 (hg19) VCF-style: chr10-27436569-A-G.
Other names: c.197T>C, p.Leu66Pro (NM_139312.3); c.168+1266T>C (NM_001253866.2); short protein forms L66P.
Identifiers: ClinVar variation 4722636 (VCV004722636.1).